The following is an entry in ClinVar:

NM_033026.6(PCLO):c.309G>C (p.Gly103=)

Gene: PCLO (piccolo presynaptic cytomatrix protein; minus strand). Cytogenetic location: 7q21.11.
Variant type: single nucleotide variant.
Coding change: c.309G>C on transcript NM_033026.6 (MANE Select); coding-DNA position 309, G replaced by C.
Protein change: p.Gly103=; no amino-acid change (glycine 103 retained).
Molecular consequence: synonymous variant.
Genome position (GRCh38, 1-based): chr7:83,156,332, C>G on the plus strand (G>C on the coding strand, the complement: PCLO is on the minus strand). VCF-style: chr7-83156332-C-G. GRCh37 (hg19) VCF-style: chr7-82785648-C-G.
Other names: c.309G>C, p.Gly103= (NM_014510.3); c.309G>C (NM_033026.5).
Identifiers: ClinVar variation 1584691 (VCV001584691.15), dbSNP rs772862667, ClinGen allele CA4321686.

ClinVar aggregate classification (germline): Likely benign. Review status: criteria provided, multiple submitters, no conflicts (2 of 4 stars). 4 submissions from 4 submitters: Likely benign (3). 1 of the submissions does not count toward it. Last evaluated 2026-02-01.

Conditions:
PCLO-related disorder. Also called: PCLO-related condition.

Allele frequency attached by ClinVar (database versions not stated): gnomAD 0.00001; ExAC 0.00002; gnomAD exomes 0.00002 and 0.00003; TOPMed 0.00002.
gnomAD v4.1: 52 of 1,613,040 alleles (0.0032%); highest among the groups gnomAD compares: Middle Eastern, 0.56%; 1 homozygote.

Submissions (4):

CeGaT Center for Human Genetics Tuebingen
Classification: Likely benign. Last evaluated: 2026-02-01. Review status: criteria provided, single submitter. Criteria: CeGaT Center For Human Genetics Tuebingen Variant Classification Criteria Version 2. Collection method: clinical testing. Allele origin: germline. Affected: yes. Observed: 1 variant allele.
Comment: PCLO: BP4, BP7

Labcorp Genetics (formerly Invitae), Labcorp
Classification: Likely benign. Last evaluated: 2024-10-30. Review status: criteria provided, single submitter. Criteria: Invitae Variant Classification Sherloc (09022015). Collection method: clinical testing. Allele origin: germline.

Breakthrough Genomics
Classification: Likely benign. Review status: criteria provided, single submitter. Criteria: ACMG Guidelines, 2015. Collection method: not provided. Allele origin: germline. Inheritance: Autosomal recessive inheritance. Affected: yes.

PreventionGenetics, part of Exact Sciences
Classification: Likely benign for PCLO-related condition. Last evaluated: 2019-07-26. Review status: no assertion criteria provided. Collection method: clinical testing. Allele origin: germline. Not counted in ClinVar's aggregate classification.
Comment: This variant is classified as likely benign based on ACMG/AMP sequence variant interpretation guidelines (Richards et al. 2015 PMID: 25741868, with internal and published modifications).